The following is an entry in ClinVar:

ClinVar aggregate classification (germline): Uncertain significance. Review status: criteria provided, multiple submitters, no conflicts (2 of 4 stars). 2 submissions from 2 submitters: Uncertain significance (2). Last evaluated 2024-04-01.

Conditions:
Microcephaly, normal intelligence and immunodeficiency (NBS). Also called: Ataxia telangiectasia variant V1; IMMUNODEFICIENCY, MICROCEPHALY, AND CHROMOSOMAL INSTABILITY; BERLIN BREAKAGE SYNDROME; Immunodeficiency, microcephaly with normal intelligence; SEEMANOVA SYNDROME II; Nijmegen breakage syndrome. Identifiers: Orphanet 647, MedGen C0398791, MONDO:0009623, OMIM 251260.
Hereditary cancer-predisposing syndrome. Also called: Neoplastic Syndromes, Hereditary; Hereditary Cancer Syndrome; Tumor predisposition; Hereditary neoplastic syndrome. Identifiers: Orphanet 140162, MedGen C0027672, MeSH D009386, MONDO:0015356.

Submissions (2):

Ambry Genetics
Classification: Uncertain significance for Hereditary cancer-predisposing syndrome. Last evaluated: 2024-04-01. Review status: criteria provided, single submitter. Criteria: Ambry Variant Classification Scheme 2023. Collection method: clinical testing. Allele origin: germline.
Comment: The p.D601E variant (also known as c.1803C>G), located in coding exon 11 of the NBN gene, results from a C to G substitution at nucleotide position 1803. The aspartic acid at codon 601 is replaced by glutamic acid, an amino acid with highly similar properties. This amino acid position is conserved. In addition, this alteration is predicted to be tolerated by in silico analysis. Based on the available evidence, the clinical significance of this alteration remains unclear.

Labcorp Genetics (formerly Invitae), Labcorp
Classification: Uncertain significance for Microcephaly, normal intelligence and immunodeficiency. Last evaluated: 2024-02-09. Review status: criteria provided, single submitter. Criteria: Invitae Variant Classification Sherloc (09022015). Collection method: clinical testing. Allele origin: germline.
Comment: This sequence change replaces aspartic acid, which is acidic and polar, with glutamic acid, which is acidic and polar, at codon 601 of the NBN protein (p.Asp601Glu). This variant is not present in population databases (gnomAD no frequency). This variant has not been reported in the literature in individuals affected with NBN-related conditions. ClinVar contains an entry for this variant (Variation ID: 1431193). An algorithm developed to predict the effect of missense changes on protein structure and function (PolyPhen-2) suggests that this variant is likely to be tolerated. In summary, the available evidence is currently insufficient to determine the role of this variant in disease. Therefore, it has been classified as a Variant of Uncertain Significance.

NM_002485.5(NBN):c.1803C>G (p.Asp601Glu)

Gene: NBN (nibrin; minus strand). Cytogenetic location: 8q21.3.
Variant type: single nucleotide variant.
Coding change: c.1803C>G on transcript NM_002485.5 (MANE Select); coding-DNA position 1803, C replaced by G.
Protein change: p.Asp601Glu; replaces aspartic acid 601 with glutamic acid.
Molecular consequence: missense variant.
Genome position (GRCh38, 1-based): chr8:89,953,286, G>C on the plus strand (C>G on the coding strand, the complement: NBN is on the minus strand). VCF-style: chr8-89953286-G-C. GRCh37 (hg19) VCF-style: chr8-90965514-G-C.
Other names: c.1803C>G (NM_002485.4); c.1557C>G, p.Asp519Glu (NM_001024688.3); short protein forms D519E, D601E.
Identifiers: ClinVar variation 1431193 (VCV001431193.8), dbSNP rs2129696348, ClinGen allele CA371655055.